The following is an entry in ClinVar:

ClinVar aggregate classification (germline): Uncertain significance (1 of 4 stars; one submission).

Conditions:
Inborn genetic diseases. Identifiers: MedGen C0950123, MeSH D030342.

Allele frequency attached by ClinVar (database versions not stated): ExAC 0.00001.

Submission:

Ambry Genetics
Classification: Uncertain significance for Inborn genetic diseases. Last evaluated: 2024-03-12. Review status: criteria provided, single submitter. Criteria: Ambry Variant Classification Scheme 2023. Collection method: clinical testing. Allele origin: germline.
Comment: The p.M11L variant (also known as c.31A>C), located in coding exon 1 of the ACD gene, results from an A to C substitution at nucleotide position 31. The methionine at codon 11 is replaced by leucine, an amino acid with highly similar properties. This amino acid position is conserved. In addition, this alteration is predicted to be tolerated by in silico analysis. Based on the available evidence, the clinical significance of this alteration remains unclear.

NM_001082486.1(ACD):c.31A>C (p.Met11Leu)

Gene: ACD (ACD shelterin complex subunit and telomerase recruitment factor; minus strand). Cytogenetic location: 16q22.1.
Variant type: single nucleotide variant.
Coding change: c.31A>C on transcript NM_001082486.1; coding-DNA position 31, A replaced by C.
Protein change: p.Met11Leu; replaces methionine 11 with leucine.
Genome position (GRCh38, 1-based): chr16:67,660,448, T>G on the plus strand (A>C on the coding strand, the complement: ACD is on the minus strand). VCF-style: chr16-67660448-T-G. GRCh37 (hg19) VCF-style: chr16-67694351-T-G.
Other names: short protein forms M11L.
Identifiers: ClinVar variation 3232665 (VCV003232665.1), dbSNP rs769875441, ClinGen allele CA8114950.